The following is an entry in ClinVar:

NM_001080414.4(CCDC88C):c.2394G>A (p.Ala798=)

Gene: CCDC88C (coiled-coil and HOOK domain protein 88C; minus strand). Cytogenetic location: 14q32.11.
Variant type: single nucleotide variant.
Coding change: c.2394G>A on transcript NM_001080414.4 (MANE Select); coding-DNA position 2394, G replaced by A.
Protein change: p.Ala798=; no amino-acid change (alanine 798 retained).
Molecular consequence: synonymous variant.
Genome position (GRCh38, 1-based): chr14:91,313,422, C>T on the plus strand (G>A on the coding strand, the complement: CCDC88C is on the minus strand). VCF-style: chr14-91313422-C-T. GRCh37 (hg19) VCF-style: chr14-91779766-C-T.
Identifiers: ClinVar variation 3016629 (VCV003016629.5), dbSNP rs531757115, ClinGen allele CA7309669.

ClinVar aggregate classification (germline): Likely benign. Review status: criteria provided, multiple submitters, no conflicts (2 of 4 stars). 2 submissions from 2 submitters: Likely benign (2). Last evaluated 2026-06-01.

Allele frequency attached by ClinVar (database versions not stated): 1000 Genomes Project 0.00040; 1000 Genomes Project 30x 0.00047.
gnomAD v4.1: 68 of 1,607,420 alleles (0.0042%); highest among the groups gnomAD compares: East Asian, 0.027%; no homozygotes.

Submissions (2):

CeGaT Center for Human Genetics Tuebingen
Classification: Likely benign. Last evaluated: 2026-06-01. Review status: criteria provided, single submitter. Criteria: CeGaT Center For Human Genetics Tuebingen Variant Classification Criteria Version 2. Collection method: clinical testing. Allele origin: germline. Affected: yes. Observed: 1 variant allele.
Comment: CCDC88C: BP4, BP7

Labcorp Genetics (formerly Invitae), Labcorp
Classification: Likely benign. Last evaluated: 2024-02-18. Review status: criteria provided, single submitter. Criteria: Invitae Variant Classification Sherloc (09022015). Collection method: clinical testing. Allele origin: germline.